The following is an entry in ClinVar:

ClinVar aggregate classification (germline): Pathogenic (1 of 4 stars; one submission).

Conditions:
Desmin-related myofibrillar myopathy (MFM1). Also called: Desminopathy; Desmin related myopathy (former name); Desmin storage myopathy (former name); MYOFIBRILLAR MYOPATHY WITH ARRHYTHMOGENIC RIGHT VENTRICULAR CARDIOMYOPATHY; DESMIN-RELATED MYOPATHY WITH ARRHYTHMOGENIC RIGHT VENTRICULAR CARDIOMYOPATHY; Myofibrillar myopathy 1. Identifiers: Orphanet 363543, Orphanet 98909, MedGen C1832370, MONDO:0011076, OMIM 601419.

Submission:

Labcorp Genetics (formerly Invitae), Labcorp
Classification: Pathogenic for Desmin-related myofibrillar myopathy. Last evaluated: 2024-11-04. Review status: criteria provided, single submitter. Criteria: Invitae Variant Classification Sherloc (09022015). Collection method: clinical testing. Allele origin: germline.
Comment: This sequence change creates a premature translational stop signal (p.Gln257*) in the DES gene. It is expected to result in an absent or disrupted protein product. Loss-of-function variants in DES are known to be pathogenic (PMID: 23575897). This variant is not present in population databases (gnomAD no frequency). This variant has not been reported in the literature in individuals affected with DES-related conditions. ClinVar contains an entry for this variant (Variation ID: 2941284). Algorithms developed to predict the effect of sequence changes on RNA splicing suggest that this variant may create or strengthen a splice site. For these reasons, this variant has been classified as Pathogenic.

Literature cited by the submitters: PubMed 23575897.

NM_001927.4(DES):c.769C>T (p.Gln257Ter)

Gene: DES (desmin; plus strand). Cytogenetic location: 2q35.
Variant type: single nucleotide variant.
Coding change: c.769C>T on transcript NM_001927.4 (MANE Select); coding-DNA position 769, C replaced by T.
Protein change: p.Gln257Ter; replaces glutamine 257 with a stop codon.
Molecular consequence: nonsense. On other transcripts: intron variant (1).
Genome position (GRCh38, 1-based): chr2:219,420,528, C>T. VCF-style: chr2-219420528-C-T. GRCh37 (hg19) VCF-style: chr2-220285250-C-T.
Other names: c.766C>T, p.Gln256Ter (NM_001382708.1); c.769C>T, p.Gln257Ter (NM_001382710.1, NM_001382711.1, NM_001382712.1); c.499C>T, p.Gln167Ter (NM_001382713.1); c.735+182C>T (NM_001382709.1); short protein forms Q167*, Q256*, Q257*.
Identifiers: ClinVar variation 2941284 (VCV002941284.3), dbSNP rs1269819085, ClinGen allele CA350690933.